The following is an entry in ClinVar:

NM_021096.4(CACNA1I):c.2938C>T (p.Arg980Cys)

Gene: CACNA1I (calcium voltage-gated channel subunit alpha1 I; plus strand). Cytogenetic location: 22q13.1.
Variant type: single nucleotide variant.
Coding change: c.2938C>T on transcript NM_021096.4 (MANE Select); coding-DNA position 2938, C replaced by T.
Protein change: p.Arg980Cys; replaces arginine 980 with cysteine.
Molecular consequence: missense variant.
Genome position (GRCh38, 1-based): chr22:39,662,001, C>T. VCF-style: chr22-39662001-C-T. GRCh37 (hg19) VCF-style: chr22-40058006-C-T.
Other names: c.2833C>T, p.Arg945Cys (NM_001003406.2); short protein forms R945C, R980C.
Identifiers: ClinVar variation 4856122 (VCV004856122.1).
Genomic context (GRCh38, chr22:39,662,001, plus strand): 5'-GACCCGAACGGGAACTCCTTCCAGTCCAGCTCCCGGAGCTCCTACTACGGGCCATGGGGC[C>T]GCAGCGCGGCCTGGGCCAGCCGTCGCTCCAGCTGGAACAGCCTCAAGCACAAGCCGCCGT-3'
Protein context (NP_066919.2, residues 970-990): SRSSYYGPWG[Arg980Cys]SAAWASRRSS

ClinVar aggregate classification (germline): Uncertain significance (1 of 4 stars; one submission).

Conditions:
Neurodevelopmental disorder with speech impairment and with or without seizures. Also called: Neurodevelopmental disorder with variable intellectual disability and speech impairment, with or without seizures. Identifiers: MedGen C5774252, MONDO:0859313, OMIM 620114.

gnomAD v4.1: 1 of 1,563,440 alleles (0.000064%); highest among the groups gnomAD compares: South Asian, 0.0012%; no homozygotes.

Submission:

3billion
Classification: Uncertain significance for Neurodevelopmental disorder with speech impairment and with or without seizures. Last evaluated: 2025-12-16. Review status: criteria provided, single submitter. Criteria: ACMG Guidelines, 2015. Collection method: clinical testing. Allele origin: germline. Affected: yes.
Comment: The variant is observed at an extremely low frequency in the gnomAD v4.1.0 dataset (total allele frequency: <0.001%). Predicted Consequence/Location: Missense variant. Missense changes are a common disease-causing mechanism. In silico tool predictions suggest damaging effect of the variant on gene or gene product [REVEL: 0.62 (>=0.6, sensitivity 0.68 and specificity 0.92)]. Therefore, this variant is classified as VUS according to the recommendation of ACMG/AMP guideline.